The following is an entry in ClinVar:

NM_001032283.3(TMPO):c.565+1396T>C

Gene: TMPO (thymopoietin; plus strand). Cytogenetic location: 12q23.1.
Variant type: single nucleotide variant.
Coding change: c.565+1396T>C on transcript NM_001032283.3 (MANE Select); 1396 bases into the intron after coding-DNA position 565, T replaced by C.
Molecular consequence: intron variant. On other transcripts: missense variant (1).
Genome position (GRCh38, 1-based): chr12:98,533,234, T>C. VCF-style: chr12-98533234-T-C. GRCh37 (hg19) VCF-style: chr12-98927012-T-C.
Other names: c.977T>C, p.Val326Ala (NM_003276.2); c.565+1396T>C (NM_001307975.2, NM_001032284.3); short protein forms V326A.
Identifiers: ClinVar variation 263354 (VCV000263354.3), dbSNP rs886038774, ClinGen allele CA10587753.
Genomic context (GRCh38, chr12:98,533,234, plus strand): 5'-CTACTGCAGCTTCTCCTTCACTGATTAAAGAAACCACCACTGGTTACTATAAAGACATAG[T>C]AGAAAATATTTGCGGTAGAGAGAAAAGTGGAATTCAACCATTATGTCCTGAGAGGTCCCA-3'

ClinVar aggregate classification (germline): Uncertain significance (1 of 4 stars; one submission).

Conditions:
Cardiovascular phenotype. Identifiers: MedGen CN230736.

Allele frequency attached by ClinVar (database versions not stated): gnomAD exomes below 0.00001 and 0.00001; TOPMed 0.00001.
gnomAD v4.1: 3 of 1,614,002 alleles (0.00019%); highest among the groups gnomAD compares: Non-Finnish European, 0.00025%; no homozygotes.

Submission:

Ambry Genetics
Classification: Uncertain significance for Cardiovascular phenotype. Last evaluated: 2012-09-25. Review status: criteria provided, single submitter. Criteria: Ambry Autosomal Dominant and X-Linked criteria (10/2015). Collection method: clinical testing. Allele origin: germline. Observed: 1 variant allele.
Comment: There is insufficient or conflicting evidence for classification of this alteration.